The following is an entry in ClinVar:

ClinVar aggregate classification (germline): Likely benign (1 of 4 stars; one submission).

Submission:

CeGaT Center for Human Genetics Tuebingen
Classification: Likely benign. Last evaluated: 2026-01-01. Review status: criteria provided, single submitter. Criteria: CeGaT Center For Human Genetics Tuebingen Variant Classification Criteria Version 2. Collection method: clinical testing. Allele origin: germline. Affected: yes. Observed: 1 variant allele.
Comment: GRIA1: PM2:Supporting, BP4, BP7

NM_000827.4(GRIA1):c.2121G>A (p.Val707=)

Gene: GRIA1 (glutamate ionotropic receptor AMPA type subunit 1; plus strand). Cytogenetic location: 5q33.2.
Variant type: single nucleotide variant.
Coding change: c.2121G>A on transcript NM_000827.4 (MANE Select); coding-DNA position 2121, G replaced by A.
Protein change: p.Val707=; no amino-acid change (valine 707 retained).
Molecular consequence: synonymous variant. On other transcripts: non-coding transcript variant (2).
Genome position (GRCh38, 1-based): chr5:153,770,266, G>A. VCF-style: chr5-153770266-G-A. GRCh37 (hg19) VCF-style: chr5-153149826-G-A.
Other names: c.2121G>A, p.Val707= (NM_001114183.2); c.1881G>A, p.Val627= (NM_001258019.2); c.1836G>A, p.Val612= (NM_001258020.2); c.2151G>A, p.Val717= (NM_001258021.2, NM_001258022.2); c.1914G>A, p.Val638= (NM_001258023.1, NM_001364167.2); c.1953G>A, p.Val651= (NM_001364165.2); c.2148G>A, p.Val716= (NM_001364166.2).
Identifiers: ClinVar variation 4822758 (VCV004822758.4).